The following is an entry in ClinVar:

ClinVar aggregate classification (germline): Likely benign. Review status: criteria provided, single submitter (1 of 4 stars). 2 submissions from 2 submitters: Likely benign (1). 1 of the submissions does not count toward it. Last evaluated 2024-11-26.

Conditions:
PRG4-related disorder. Also called: PRG4-related condition.

Allele frequency attached by ClinVar (database versions not stated): 1000 Genomes Project 0.03055; 1000 Genomes Project 30x 0.03092; TOPMed 0.03928; ExAC 0.04037; gnomAD 0.04394; ESP Exome Variant Server 0.04544; gnomAD exomes 0.04682.
gnomAD v4.1: 74,829 of 1,613,812 alleles (4.6%); highest among the groups gnomAD compares: Non-Finnish European, 4.9%; 1,939 homozygotes.

Submissions (2):

Blueprint Genetics
Classification: Likely benign. Last evaluated: 2024-11-26. Review status: criteria provided, single submitter. Criteria: ACMG Guidelines, 2015. Collection method: clinical testing. Allele origin: germline.

PreventionGenetics, part of Exact Sciences
Classification: Benign for PRG4-related condition. Last evaluated: 2019-04-12. Review status: no assertion criteria provided. Collection method: clinical testing. Allele origin: germline. Not counted in ClinVar's aggregate classification.
Comment: This variant is classified as benign based on ACMG/AMP sequence variant interpretation guidelines (Richards et al. 2015 PMID: 25741868, with internal and published modifications).

NM_005807.6(PRG4):c.3887C>T (p.Thr1296Met)

Genes: PRG4 (proteoglycan 4; plus strand), TPR (translocated promoter region, nuclear basket protein; minus strand). Cytogenetic location: 1q31.1.
Variant type: single nucleotide variant.
Coding change: c.3887C>T on transcript NM_005807.6 (MANE Select); coding-DNA position 3887, C replaced by T.
Protein change: p.Thr1296Met; replaces threonine 1296 with methionine.
Molecular consequence: missense variant. On other transcripts: 3 prime UTR variant (1).
Genome position (GRCh38, 1-based): chr1:186,312,268, C>T. VCF-style: chr1-186312268-C-T. GRCh37 (hg19) VCF-style: chr1-186281400-C-T.
Other names: c.3764C>T, p.Thr1255Met (NM_001127708.3); c.3608C>T, p.Thr1203Met (NM_001127709.3); c.3485C>T, p.Thr1162Met (NM_001127710.3); c.3758C>T, p.Thr1253Met (NM_001303232.2); c.*1703G>A (NM_003292.3); short protein forms T1162M, T1203M, T1253M, T1255M, T1296M.
Identifiers: ClinVar variation 3037358 (VCV003037358.3), dbSNP rs12134934, ClinGen allele CA1296778.
Genomic context (GRCh38, chr1:186,312,268, plus strand): 5'-AACCTGTACAGAAGTGCCCTGGAAGAAGGCCTGCTCTAAATTATCCAGTGTATGGAGAAA[C>T]GACACAGGTTAGGAGACGTCGCTTTGAACGTGCTATAGGACCTTCTCAAACACACACCAT-3'
Protein context (NP_005798.3, residues 1286-1306): PALNYPVYGE[Thr1296Met]TQVRRRRFER